The following is an entry in ClinVar:

ClinVar aggregate classification (germline): Uncertain significance. Review status: criteria provided, multiple submitters, no conflicts (2 of 4 stars). 3 submissions from 3 submitters: Uncertain significance (3). Last evaluated 2026-06-30.

Conditions:
Thyroid dyshormonogenesis 6 (TDH6). Also called: HYPOTHYROIDISM, CONGENITAL, DUE TO DYSHORMONOGENESIS, 6; Genetic transient congenital hypothyroidism; THYROID HORMONOGENESIS, GENETIC DEFECT IN, 6. Identifiers: Orphanet 226316, Orphanet 95716, MedGen C1846632, MONDO:0011792, OMIM 607200.

Allele frequency attached by ClinVar (database versions not stated): gnomAD 0.00001; gnomAD exomes 0.00002; TOPMed 0.00004; ExAC 0.00005.
gnomAD v4.1: 28 of 1,613,988 alleles (0.0017%); highest among the groups gnomAD compares: East Asian, 0.06%; no homozygotes.

Submissions (3):

Women's Health and Genetics/Laboratory Corporation of America, LabCorp
Classification: Uncertain significance. Last evaluated: 2026-06-30. Review status: criteria provided, single submitter. Criteria: LabCorp Variant Classification Summary - May 2015. Collection method: clinical testing. Allele origin: germline.
Comment: Variant summary: DUOX2 c.1232G>A (p.Arg411Lys) results in a conservative amino acid change in the encoded protein sequence. Algorithms developed to predict the effect of missense changes on protein structure and function are either unavailable or do not agree on the potential impact of this missense change. Consensus agreement among computation tools predict no significant impact on normal splicing. However, these predictions have yet to be confirmed by functional studies. The variant allele was found at a frequency of 6e-05 in 251464 control chromosomes. This frequency is not significantly higher than estimated for disease-causing variants in DUOX2, allowing no conclusion about variant significance. c.1232G>A has been reported in individuals with congenital hypothyroidism/thyroid dyshormonogenesis, including biallelic DUOX2 genotypes in patients (e.g. Peters_2019, Sun_2018). These data indicate that the variant may be associated with disease. At least one publication reports experimental evidence evaluating the impact on protein function. In a DUOX2 HO-generation assay, p.Arg411Lys showed partial reduction of activity, retaining approximately 70% of wild-type activity (Sun_2021). The following publications have been ascertained in the context of this evaluation (PMID: 28215547, 27166716, 27578510, 31044655, 34564849, 29650690, 32425884). ClinVar contains an entry for this variant (Variation ID: 2137665). Based on the evidence outlined above, the variant was classified as VUS-possibly pathogenic.

Labcorp Genetics (formerly Invitae), Labcorp
Classification: Uncertain significance. Last evaluated: 2025-01-21. Review status: criteria provided, single submitter. Criteria: Invitae Variant Classification Sherloc (09022015). Collection method: clinical testing. Allele origin: germline.
Comment: This sequence change replaces arginine, which is basic and polar, with lysine, which is basic and polar, at codon 411 of the DUOX2 protein (p.Arg411Lys). This variant is present in population databases (rs764353021, gnomAD 0.08%). This missense change has been observed in individual(s) with congenital hypothyroidism (PMID: 27166716, 27578510, 28215547, 29650690, 31044655, 32425884, 34564849). ClinVar contains an entry for this variant (Variation ID: 2137665). An algorithm developed to predict the effect of missense changes on protein structure and function (PolyPhen-2) suggests that this variant is likely to be disruptive. Experimental studies have shown that this missense change does not substantially affect DUOX2 function (PMID: 34564849). In summary, the available evidence is currently insufficient to determine the role of this variant in disease. Therefore, it has been classified as a Variant of Uncertain Significance.

Juno Genomics, Hangzhou Juno Genomics, Inc
Classification: Uncertain significance for Thyroid dyshormonogenesis 6. Review status: criteria provided, single submitter. Criteria: ACMG Guidelines, 2015. Collection method: clinical testing. Allele origin: germline.
Comment: Absent from controls (or at extremely low frequency if recessive) in Genome Aggregation Database.;For recessive disorders, detected in trans with a pathogenic variant.;Well-established functional studies shows no damaging effect on protein function or splicing.

Literature cited by the submitters: PubMed 27578510 (cited by Women's Health and Genetics/Laboratory Corporation of America, LabCorp and Labcorp Genetics (formerly Invitae), Labcorp); PubMed 32425884 (cited by Women's Health and Genetics/Laboratory Corporation of America, LabCorp and Labcorp Genetics (formerly Invitae), Labcorp); PubMed 28215547 (cited by Women's Health and Genetics/Laboratory Corporation of America, LabCorp and Labcorp Genetics (formerly Invitae), Labcorp); PubMed 31044655 (cited by Women's Health and Genetics/Laboratory Corporation of America, LabCorp and Labcorp Genetics (formerly Invitae), Labcorp); PubMed 34564849 (cited by Women's Health and Genetics/Laboratory Corporation of America, LabCorp and Labcorp Genetics (formerly Invitae), Labcorp); PubMed 29650690 (cited by Women's Health and Genetics/Laboratory Corporation of America, LabCorp and Labcorp Genetics (formerly Invitae), Labcorp); PubMed 27166716 (cited by Women's Health and Genetics/Laboratory Corporation of America, LabCorp and Labcorp Genetics (formerly Invitae), Labcorp).

NM_001363711.2(DUOX2):c.1232G>A (p.Arg411Lys)

Gene: DUOX2 (dual oxidase 2; minus strand). Cytogenetic location: 15q21.1.
Variant type: single nucleotide variant.
Coding change: c.1232G>A on transcript NM_001363711.2 (MANE Select); coding-DNA position 1232, G replaced by A.
Protein change: p.Arg411Lys; replaces arginine 411 with lysine.
Molecular consequence: missense variant.
Genome position (GRCh38, 1-based): chr15:45,109,526, C>T on the plus strand (G>A on the coding strand, the complement: DUOX2 is on the minus strand). VCF-style: chr15-45109526-C-T. GRCh37 (hg19) VCF-style: chr15-45401724-C-T.
Other names: c.1232G>A, p.Arg411Lys (NM_014080.5); short protein forms R411K.
Identifiers: ClinVar variation 2137665 (VCV002137665.6), dbSNP rs764353021, ClinGen allele CA7538696.